The following is an entry in ClinVar:

NM_138927.4(SON):c.5518_5523del (p.Thr1840_Ser1841del)

Gene: SON (SON DNA and RNA binding protein; plus strand). Cytogenetic location: 21q22.11.
Variant type: Deletion.
Coding change: c.5518_5523del on transcript NM_138927.4 (MANE Select); coding-DNA positions 5518 to 5523, 6 bases deleted (ACCAGT; older notation c.5518_5523delACCAGT).
Protein change: p.Thr1840_Ser1841del.
Molecular consequence: inframe indel (on NM_001412133.1). On other transcripts: non-coding transcript variant (1), intron variant (1).
Genome position (GRCh38, 1-based): chr21:33,554,749-33,554,754, ACCAGT deleted; deleting any 6 consecutive bases within chr21:33,554,747-33,554,754 gives the same sequence; the c. name uses the placement nearest the transcript's 3' end. VCF-style (leftmost placement, unchanged base first): chr21-33554746-CGTACCA-C. GRCh37 (hg19) VCF-style: chr21-34927052-CGTACCA-C.
Other names: c.5518_5523del, p.Thr1840_Ser1841del (NM_001291411.2, NM_032195.3); c.5518_5523delACCAGT, p.Thr1840_Ser1841del (NM_001412133.1, NM_058183.2, NM_138926.1); c.245-2407_245-2402del (NM_001291412.3).
Identifiers: ClinVar variation 3032091 (VCV003032091.2), dbSNP rs1307492617, ClinGen allele CA748802431.
Genomic context (GRCh38, chr21:33,554,746, plus strand): 5'-GACTCTTCATTAAGATCTCGAAGTAAGCGTTCCAAATCTTCTGAACACAAATCACGCAAG[CGTACCA>C]GTGAATCTCGTTCTAGGGCAAGAAAGAGATCATCTAAGTCCAAGTCTCATCGCTCTCAGA-3'

ClinVar aggregate classification (germline): Uncertain significance (0 of 4 stars; one submission).

Conditions:
SON-related disorder. Also called: SON-related condition.

Submission:

PreventionGenetics, part of Exact Sciences
Classification: Uncertain significance for SON-related condition. Last evaluated: 2023-10-30. Review status: no assertion criteria provided. Collection method: clinical testing. Allele origin: germline.
Comment: The SON c.5518_5523del6 variant is predicted to result in an in-frame deletion (p.Thr1840_Ser1841del). To our knowledge, this variant has not been reported in the literature or in a large population database, indicating this variant is rare. At this time, the clinical significance of this variant is uncertain due to the absence of conclusive functional and genetic evidence.